The following is an entry in ClinVar:

ClinVar aggregate classification (germline): Uncertain significance (1 of 4 stars; one submission).

Conditions:
ADCY3-related disorder. Also called: ADCY3-related condition.

gnomAD v4.1: 51 of 1,613,730 alleles (0.0032%); highest among the groups gnomAD compares: East Asian, 0.1%; no homozygotes.

Submission:

PreventionGenetics, part of Exact Sciences
Classification: Uncertain significance for ADCY3-related condition. Last evaluated: 2025-06-02. Review status: criteria provided, single submitter. Criteria: ACMG Guidelines, 2015. Collection method: clinical testing. Allele origin: germline.
Comment: The ADCY3 c.3434C>A variant is predicted to result in the amino acid substitution p.Ser1145Tyr. To our knowledge, this variant has not been reported in the literature. This variant is reported in 0.038% of alleles in individuals of East Asian descent in gnomAD. At this time, the clinical significance of this variant is uncertain due to the absence of conclusive functional and genetic evidence.

NM_004036.5(ADCY3):c.3431C>A (p.Ser1144Tyr)

Genes: ADCY3 (adenylate cyclase 3; minus strand), CENPO (centromere protein O; plus strand). Cytogenetic location: 2p23.3.
Variant type: single nucleotide variant.
Coding change: c.3431C>A on transcript NM_004036.5 (MANE Select); coding-DNA position 3431, C replaced by A.
Protein change: p.Ser1144Tyr; replaces serine 1144 with tyrosine.
Molecular consequence: missense variant. On other transcripts: 3 prime UTR variant (4), non-coding transcript variant (3).
Genome position (GRCh38, 1-based): chr2:24,819,936, G>T on the plus strand (C>A on the coding strand, the complement: ADCY3 is on the minus strand). VCF-style: chr2-24819936-G-T. GRCh37 (hg19) VCF-style: chr2-25042805-G-T.
Other names: c.3434C>A, p.Ser1145Tyr (NM_001320613.2); c.3497C>A, p.Ser1166Tyr (NM_001377128.1); c.3293C>A, p.Ser1098Tyr (NM_001377129.1); c.*172C>A (NM_001377130.1); c.2708C>A, p.Ser903Tyr (NM_001377131.1); c.3431C>A, p.Ser1144Tyr (NM_001377132.1); c.*618G>T (NM_001199803.3, NM_001322101.2, NM_024322.4); short protein forms S1098Y, S1144Y, S1145Y, S1166Y, S903Y.
Identifiers: ClinVar variation 3349991 (VCV003349991.2).